The following is an entry in ClinVar:

NM_001291303.3(FAT4):c.13583G>A (p.Cys4528Tyr)

Gene: FAT4 (FAT atypical cadherin 4; plus strand). Cytogenetic location: 4q28.1.
Variant type: single nucleotide variant.
Coding change: c.13583G>A on transcript NM_001291303.3 (MANE Select); coding-DNA position 13583, G replaced by A.
Protein change: p.Cys4528Tyr; replaces cysteine 4528 with tyrosine.
Molecular consequence: missense variant.
Genome position (GRCh38, 1-based): chr4:125,490,399, G>A. VCF-style: chr4-125490399-G-A. GRCh37 (hg19) VCF-style: chr4-126411554-G-A.
Other names: c.13580G>A, p.Cys4527Tyr (NM_001291285.3); c.13577G>A, p.Cys4526Tyr (NM_024582.6); short protein forms C4527Y, C4526Y, C4528Y.
Identifiers: ClinVar variation 1525160 (VCV001525160.8), dbSNP rs1560639518, ClinGen allele CA358137055.

ClinVar aggregate classification (germline): Uncertain significance (1 of 4 stars; one submission).

Submission:

Labcorp Genetics (formerly Invitae), Labcorp
Classification: Uncertain significance. Last evaluated: 2021-04-10. Review status: criteria provided, single submitter. Criteria: Invitae Variant Classification Sherloc (09022015). Collection method: clinical testing. Allele origin: germline.
Comment: In summary, the available evidence is currently insufficient to determine the role of this variant in disease. Therefore, it has been classified as a Variant of Uncertain Significance. Advanced modeling of protein sequence and biophysical properties (such as structural, functional, and spatial information, amino acid conservation, physicochemical variation, residue mobility, and thermodynamic stability) performed at Invitae indicates that this missense variant is not expected to disrupt FAT4 protein function. This variant has not been reported in the literature in individuals with FAT4-related conditions. This variant is not present in population databases (ExAC no frequency). This sequence change replaces cysteine with tyrosine at codon 4526 of the FAT4 protein (p.Cys4526Tyr). The cysteine residue is highly conserved and there is a large physicochemical difference between cysteine and tyrosine.